The following is an entry in ClinVar:

NM_004260.4(RECQL4):c.592G>T (p.Val198Phe)

Gene: RECQL4 (RecQ like helicase 4; minus strand). Cytogenetic location: 8q24.3.
Variant type: single nucleotide variant.
Coding change: c.592G>T on transcript NM_004260.4 (MANE Select); coding-DNA position 592, G replaced by T.
Protein change: p.Val198Phe; replaces valine 198 with phenylalanine.
Molecular consequence: missense variant.
Genome position (GRCh38, 1-based): chr8:144,516,527, C>A on the plus strand (G>T on the coding strand, the complement: RECQL4 is on the minus strand). VCF-style: chr8-144516527-C-A. GRCh37 (hg19) VCF-style: chr8-145741911-C-A.
Other names: short protein forms V198F.
Identifiers: ClinVar variation 836068 (VCV000836068.7), dbSNP rs749010505, ClinGen allele CA372690167.
Genomic context (GRCh38, chr8:144,516,527, plus strand): 5'-GTGATTCCTCTGAGCCTAGATCAGGCCTGCAGGCTTTGGGGGCCCCCAGAAAATCTGGGA[C>A]CTCACTGTGACATCGCTGTAACCAGCCAGGATCTAGGGAGCCCAGCCGCTGGCTCAGGGA-3'
Protein context (NP_004251.4, residues 188-208): PGWLQRCHSE[Val198Phe]PDFLGAPKAC

ClinVar aggregate classification (germline): Uncertain significance. Review status: criteria provided, multiple submitters, no conflicts (2 of 4 stars). 2 submissions from 2 submitters: Uncertain significance (2). Last evaluated 2025-01-08.

Conditions:
Inborn genetic diseases. Identifiers: MedGen C0950123, MeSH D030342.
Baller-Gerold syndrome (BGS). Also called: CRANIOSYNOSTOSIS WITH RADIAL DEFECTS. Identifiers: Orphanet 1225, MedGen C0265308, MONDO:0009039, OMIM 218600.

Submissions (2):

Ambry Genetics
Classification: Uncertain significance for Inborn genetic diseases. Last evaluated: 2025-01-08. Review status: criteria provided, single submitter. Criteria: Ambry Variant Classification Scheme 2023. Collection method: clinical testing. Allele origin: germline.
Comment: The p.V198F variant (also known as c.592G>T), located in coding exon 5 of the RECQL4 gene, results from a G to T substitution at nucleotide position 592. The valine at codon 198 is replaced by phenylalanine, an amino acid with highly similar properties. This amino acid position is conserved. In addition, this alteration is predicted to be tolerated by in silico analysis. Based on the available evidence, the clinical significance of this variant remains unclear.

Labcorp Genetics (formerly Invitae), Labcorp
Classification: Uncertain significance for Baller-Gerold syndrome. Last evaluated: 2022-08-31. Review status: criteria provided, single submitter. Criteria: Invitae Variant Classification Sherloc (09022015). Collection method: clinical testing. Allele origin: germline.
Comment: Algorithms developed to predict the effect of sequence changes on RNA splicing suggest that this variant may create or strengthen a splice site. ClinVar contains an entry for this variant (Variation ID: 836068). This variant has not been reported in the literature in individuals affected with RECQL4-related conditions. This variant is not present in population databases (gnomAD no frequency). This sequence change replaces valine, which is neutral and non-polar, with phenylalanine, which is neutral and non-polar, at codon 198 of the RECQL4 protein (p.Val198Phe). In summary, the available evidence is currently insufficient to determine the role of this variant in disease. Therefore, it has been classified as a Variant of Uncertain Significance.